The following is an entry in ClinVar:

ClinVar aggregate classification (germline): Conflicting classifications of pathogenicity. Review status: criteria provided, conflicting classifications (1 of 4 stars). 4 submissions from 4 submitters: Uncertain significance (1); Likely benign (2). 1 of the submissions does not count toward it. Last evaluated 2025-08-18.

Conditions:
DYSF-related disorder. Also called: DYSF-related condition; DYSF-related disorders.
Neuromuscular disease caused by qualitative or quantitative defects of dysferlin. Also called: Qualitative or quantitative defects of dysferlin; Dysferlinopathy. Identifiers: Orphanet 207073, MedGen C2931687, MONDO:0016145.

Allele frequency attached by ClinVar (database versions not stated): gnomAD 0.00003; TOPMed 0.00006; 1000 Genomes Project 0.00040; 1000 Genomes Project 30x 0.00047.
gnomAD v4.1: 26 of 1,614,110 alleles (0.0016%); highest among the groups gnomAD compares: Admixed American, 0.032%; no homozygotes.

Submissions (4):

Labcorp Genetics (formerly Invitae), Labcorp
Classification: Likely benign for Neuromuscular disease caused by qualitative or quantitative defects of dysferlin. Last evaluated: 2025-08-18. Review status: criteria provided, single submitter. Criteria: Invitae Variant Classification Sherloc (09022015). Collection method: clinical testing. Allele origin: germline.

GeneDx
Classification: Likely benign. Last evaluated: 2017-01-23. Review status: criteria provided, single submitter. Criteria: GeneDx Variant Classification (06012015). Collection method: clinical testing. Allele origin: germline. Affected: yes.
Comment: This variant is considered likely benign or benign based on one or more of the following criteria: it is a conservative change, it occurs at a poorly conserved position in the protein, it is predicted to be benign by multiple in silico algorithms, and/or has population frequency not consistent with disease.

Eurofins Ntd Llc (ga)
Classification: Uncertain significance. Last evaluated: 2016-12-29. Review status: criteria provided, single submitter. Criteria: EGL Classification Definitions 2015. Collection method: clinical testing. Allele origin: germline. Observed: 1 variant allele, 1 heterozygote.

PreventionGenetics, part of Exact Sciences
Classification: Likely benign for DYSF-related condition. Last evaluated: 2024-03-23. Review status: no assertion criteria provided. Collection method: clinical testing. Allele origin: germline. Not counted in ClinVar's aggregate classification.
Comment: This variant is classified as likely benign based on ACMG/AMP sequence variant interpretation guidelines (Richards et al. 2015 PMID: 25741868, with internal and published modifications).

NM_001130987.2(DYSF):c.1449+7C>T

Gene: DYSF (dysferlin; plus strand). Cytogenetic location: 2p13.2.
Variant type: single nucleotide variant.
Coding change: c.1449+7C>T on transcript NM_001130987.2 (MANE Select); 7 bases into the intron after coding-DNA position 1449, C replaced by T.
Molecular consequence: intron variant.
Genome position (GRCh38, 1-based): chr2:71,535,096, C>T. VCF-style: chr2-71535096-C-T. GRCh37 (hg19) VCF-style: chr2-71762226-C-T.
Other names: c.1446+7C>T (NM_001130979.2, NM_001130981.2, NM_001130980.2); c.1353+7C>T (NM_001130978.2, NM_003494.4, NM_001130977.2 and 1 more transcripts); c.1449+7C>T (NM_001130982.2, NM_001130985.2); c.1356+7C>T (NM_001130983.2, NM_001130455.2, NM_001130984.2 and 1 more transcripts).
Identifiers: ClinVar variation 499023 (VCV000499023.16), dbSNP rs199608017, ClinGen allele CA1705742.